The following is an entry in ClinVar:

ClinVar aggregate classification (germline): Uncertain significance (1 of 4 stars; one submission).

Submission:

Labcorp Genetics (formerly Invitae), Labcorp
Classification: Uncertain significance. Last evaluated: 2023-08-11. Review status: criteria provided, single submitter. Criteria: Invitae Variant Classification Sherloc (09022015). Collection method: clinical testing. Allele origin: germline.
Comment: This variant is not present in population databases (gnomAD no frequency). In summary, the available evidence is currently insufficient to determine the role of this variant in disease. Therefore, it has been classified as a Variant of Uncertain Significance. Advanced modeling of protein sequence and biophysical properties (such as structural, functional, and spatial information, amino acid conservation, physicochemical variation, residue mobility, and thermodynamic stability) performed at Invitae indicates that this missense variant is expected to disrupt RAI1 protein function. This variant has not been reported in the literature in individuals affected with RAI1-related conditions. This sequence change replaces leucine, which is neutral and non-polar, with proline, which is neutral and non-polar, at codon 614 of the RAI1 protein (p.Leu614Pro).

NM_030665.4(RAI1):c.1841T>C (p.Leu614Pro)

Gene: RAI1 (retinoic acid induced 1; plus strand). Cytogenetic location: 17p11.2.
Variant type: single nucleotide variant.
Coding change: c.1841T>C on transcript NM_030665.4 (MANE Select); coding-DNA position 1841, T replaced by C.
Protein change: p.Leu614Pro; replaces leucine 614 with proline.
Molecular consequence: missense variant.
Genome position (GRCh38, 1-based): chr17:17,794,789, T>C. VCF-style: chr17-17794789-T-C. GRCh37 (hg19) VCF-style: chr17-17698103-T-C.
Other names: short protein forms L614P.
Identifiers: ClinVar variation 2790378 (VCV002790378.3), dbSNP rs2508578225, ClinGen allele CA398549302.